The following is an entry in ClinVar:

ClinVar aggregate classification (germline): Uncertain significance (1 of 4 stars; one submission).

Submission:

GeneDx
Classification: Uncertain significance. Last evaluated: 2023-12-14. Review status: criteria provided, single submitter. Criteria: GeneDx Variant Classification Process June 2021. Collection method: clinical testing. Allele origin: germline. Affected: yes.
Comment: Not observed at significant frequency in large population cohorts (gnomAD); In silico analysis supports that this missense variant does not alter protein structure/function; Has not been previously published as pathogenic or benign to our knowledge

NM_021224.6(ZNF462):c.1085G>A (p.Arg362Lys)

Gene: ZNF462 (zinc finger protein 462; plus strand). Cytogenetic location: 9q31.2.
Variant type: single nucleotide variant.
Coding change: c.1085G>A on transcript NM_021224.6 (MANE Select); coding-DNA position 1085, G replaced by A.
Protein change: p.Arg362Lys; replaces arginine 362 with lysine.
Molecular consequence: missense variant.
Genome position (GRCh38, 1-based): chr9:106,924,997, G>A. VCF-style: chr9-106924997-G-A. GRCh37 (hg19) VCF-style: chr9-109687278-G-A.
Other names: c.1085G>A, p.Arg362Lys (NM_001347997.2); short protein forms R362K.
Identifiers: ClinVar variation 3365751 (VCV003365751.1).